The following is an entry in ClinVar:

NM_138295.5(PKD1L1):c.600T>G (p.Cys200Trp)

Gene: PKD1L1 (polycystin 1 like 1, transient receptor potential channel interacting; minus strand). Cytogenetic location: 7p12.3.
Variant type: single nucleotide variant.
Coding change: c.600T>G on transcript NM_138295.5 (MANE Select); coding-DNA position 600, T replaced by G.
Protein change: p.Cys200Trp; replaces cysteine 200 with tryptophan.
Molecular consequence: missense variant.
Genome position (GRCh38, 1-based): chr7:47,931,241, A>C on the plus strand (T>G on the coding strand, the complement: PKD1L1 is on the minus strand). VCF-style: chr7-47931241-A-C. GRCh37 (hg19) VCF-style: chr7-47970838-A-C.
Other names: short protein forms C200W.
Identifiers: ClinVar variation 2592524 (VCV002592524.4), dbSNP rs776427935, ClinGen allele CA4254301.

ClinVar aggregate classification (germline): Uncertain significance. Review status: criteria provided, single submitter (1 of 4 stars). 2 submissions from 2 submitters: Uncertain significance (1). 1 of the submissions does not count toward it. Last evaluated 2023-09-13.

Conditions:
Inborn genetic diseases. Identifiers: MedGen C0950123, MeSH D030342.
PKD1L1-related disorder. Also called: PKD1L1-related condition.

Allele frequency attached by ClinVar (database versions not stated): gnomAD 0.00001; gnomAD exomes 0.00002; TOPMed 0.00006; ExAC 0.00015.
gnomAD v4.1: 36 of 1,614,144 alleles (0.0022%); highest among the groups gnomAD compares: East Asian, 0.073%; no homozygotes.

Submissions (2):

Ambry Genetics
Classification: Uncertain significance for Inborn genetic diseases. Last evaluated: 2023-09-13. Review status: criteria provided, single submitter. Criteria: Ambry Variant Classification Scheme 2023. Collection method: clinical testing. Allele origin: germline.

PreventionGenetics, part of Exact Sciences
Classification: Likely benign for PKD1L1-related condition. Last evaluated: 2023-08-21. Review status: no assertion criteria provided. Collection method: clinical testing. Allele origin: germline. Not counted in ClinVar's aggregate classification.
Comment: This variant is classified as likely benign based on ACMG/AMP sequence variant interpretation guidelines (Richards et al. 2015 PMID: 25741868, with internal and published modifications).